The following is an entry in ClinVar:

ClinVar aggregate classification (germline): Uncertain significance (1 of 4 stars; one submission).

Submission:

Labcorp Genetics (formerly Invitae), Labcorp
Classification: Uncertain significance. Last evaluated: 2022-03-12. Review status: criteria provided, single submitter. Criteria: Invitae Variant Classification Sherloc (09022015). Collection method: clinical testing. Allele origin: germline.
Comment: In summary, the available evidence is currently insufficient to determine the role of this variant in disease. Therefore, it has been classified as a Variant of Uncertain Significance. This variant has not been reported in the literature in individuals affected with TRAF3IP1-related conditions. This variant results in a copy number gain of the genomic region encompassing exon(s) 16-17 of the TRAF3IP1 gene. This region includes the termination codon of the gene. This copy number gain extends beyond the assayed region for this gene and therefore may encompass additional genes. As the precise location of this event is unknown, it may be in tandem or it may be located elsewhere in the genome.

NC_000002.11:g.(?_239306080)_(239307560_?)dup

Gene: TRAF3IP1 (TRAF3 interacting protein 1; plus strand). Cytogenetic location: 2q37.3.
Variant type: Duplication.
Identifiers: ClinVar variation 2426206 (VCV002426206.4).